The following is an entry in ClinVar:

NC_000020.10:g.(3194705_3195926)_(3195959_3199162)del

Gene: ITPA (inosine triphosphatase; plus strand). Cytogenetic location: 20p13.
Variant type: Deletion.
Identifiers: ClinVar variation 1723392 (VCV001723392.1).

ClinVar aggregate classification (germline): Pathogenic (1 of 4 stars; one submission).

Conditions:
Developmental and epileptic encephalopathy. Identifiers: MedGen C5779964, MONDO:0100620.

Submission:

Women's Health and Genetics/Laboratory Corporation of America, LabCorp
Classification: Pathogenic for Infantile epileptic dyskinetic encephalopathy. Last evaluated: 2022-10-26. Review status: criteria provided, single submitter. Criteria: LabCorp Variant Classification Summary - May 2015. Collection method: clinical testing. Allele origin: germline.
Comment: Variant summary: The variant identified by MLPA or other technology involves the deletion of exon 5 in the ITPA gene. A presumed nomenclature of c.(263+1_264-1)_(295+1_296-1)del has been designated for the purposes of this classification. Although exact breakpoints of this deletion are not known, it is expected to result in a frameshift in the ITPA gene, a known mechanism of disease. The variant was absent in 21694 control chromosomes (gnomAD, Structural Variants dataset). Homozygous deletion of 1,874 base pairs (bp), spanning exon 5, extending to introns 4 and 5 (c. 264-607_295+1267del), has been reported in the literature in 3 siblings affected with Early Infantile Encephalopathy (Kevelam_2015). Additionally, authors demonstrated ITPA activity in isolated fibroblast cells for this variant is <10% of normal activity (Kevelam_2015). These data indicate that the variant is very likely to be associated with disease. Two submitters have provided clinical-significance assessments for this variant to ClinVar after 2014 and classified the variant as pathogenic. Based on the evidence outlined above, the variant was classified as pathogenic.

Literature cited by the submitters: PubMed 26224535.